The following is an entry in ClinVar:

ClinVar aggregate classification (germline): Pathogenic (1 of 4 stars; one submission).

Conditions:
Early-infantile DEE. Also called: Ohtahara syndrome; Early infantile epileptic encephalopathy with suppression bursts; Early infantile epileptic encephalopathy. Identifiers: Orphanet 1934, MedGen C0393706, MONDO:0800491.

Submission:

Labcorp Genetics (formerly Invitae), Labcorp
Classification: Pathogenic for Early-infantile DEE. Last evaluated: 2022-02-04. Review status: criteria provided, single submitter. Criteria: Invitae Variant Classification Sherloc (09022015). Collection method: clinical testing. Allele origin: germline.
Comment: This sequence change creates a premature translational stop signal (p.Ala381Leufs*19) in the KCNQ2 gene. It is expected to result in an absent or disrupted protein product. Loss-of-function variants in KCNQ2 are known to be pathogenic (PMID: 14534157, 23692823, 27779742). This variant is not present in population databases (gnomAD no frequency). This variant has not been reported in the literature in individuals affected with KCNQ2-related conditions. For these reasons, this variant has been classified as Pathogenic.

Literature cited by the submitters: PubMed 14534157; PubMed 23692823; PubMed 27779742.

NM_172107.4(KCNQ2):c.1140_1141del (p.Ala381fs)

Gene: KCNQ2 (potassium voltage-gated channel subfamily Q member 2; minus strand). Cytogenetic location: 20q13.33.
Variant type: Deletion.
Coding change: c.1140_1141del on transcript NM_172107.4 (MANE Select); coding-DNA positions 1140 to 1141, 2 bases deleted (GG; older notation c.1140_1141delGG).
Protein change: p.Ala381fs; shifts the reading frame from alanine 381.
Molecular consequence: frameshift variant. On other transcripts: intron variant (1).
Genome position (GRCh38, 1-based): chr20:63,431,347-63,431,348, CC deleted on the plus strand (GG on the coding strand, the reverse complement: KCNQ2 is on the minus strand); deleting any 2 consecutive bases within chr20:63,431,347-63,431,350 gives the same sequence; the c. name uses the placement nearest the transcript's 3' end. VCF-style (leftmost placement, unchanged base first): chr20-63431346-GCC-G. GRCh37 (hg19) VCF-style: chr20-62062699-GCC-G.
Other names: c.1140_1141del, p.Ala381fs (NM_001382235.1, NM_172106.3, NM_172108.5); c.1118+2461_1118+2462del (NM_004518.6); short protein forms A381fs.
Identifiers: ClinVar variation 2092688 (VCV002092688.4), dbSNP rs2080781132, ClinGen allele CA2580098392.
Genomic context (GRCh38, chr20:63,431,346, plus strand): 5'-ACACAGAACTAGAACCACACACACACACAGGGCTTCTGTCCATGCATTTCCTACCTGGAG[GCC>G]CCGTAGGTTTGAGTTTGCGAACTTTCAAGTGTTTCCACACACACAAAGGGAAAAGAACGG-3'